The following is an entry in ClinVar:

ClinVar aggregate classification (germline): Uncertain significance (1 of 4 stars; one submission).

Conditions:
Rubinstein-Taybi syndrome due to CREBBP mutations (RSTS1). Also called: RUBINSTEIN-TAYBI SYNDROME 1, INCOMPLETE; Rubinstein-Taybi syndrome 1; CREBBP-Related Rubinstein-Taybi Syndrome; BROAD THUMBS AND GREAT TOES, CHARACTERISTIC FACIES, AND IMPAIRED INTELLECTUAL DEVELOPMENT; BROAD THUMB-HALLUX SYNDROME; RUBINSTEIN SYNDROME. Identifiers: Orphanet 353277, Orphanet 783, MedGen C4551859, MONDO:0008393, OMIM 180849.

Submission:

Illumina Laboratory Services, Illumina
Classification: Uncertain significance for Rubinstein-Taybi syndrome due to CREBBP mutations. Last evaluated: 2020-03-13. Review status: criteria provided, single submitter. Criteria: ICSLVariantClassificationCriteria RUGD 01 April 2020. Collection method: clinical testing. Allele origin: unknown.
Comment: The CREBBP c.1213C>G (p.Gln405Glu) variant is a missense variant. A literature search was performed for the gene, cDNA change, and amino acid change. No publications were found based on this search. This variant is not found in the Genome Aggregation Database in a region of good sequence and is presumed to be rare. The Gln405 residues lies in the TAZ1 zinc finger domain that functions as a transcriptional adapter (Korzus et al. 2019). Based on the limited evidence, the p.Gln405Glu variant is classified as a variant of unknown significance for Rubinstein Taybi syndrome.

Literature cited by the submitters: PubMed 25599811; PubMed 28523540.

NM_004380.3(CREBBP):c.1213C>G (p.Gln405Glu)

Gene: CREBBP (CREB binding lysine acetyltransferase; minus strand). Cytogenetic location: 16p13.3.
Variant type: single nucleotide variant.
Coding change: c.1213C>G on transcript NM_004380.3 (MANE Select); coding-DNA position 1213, C replaced by G.
Protein change: p.Gln405Glu; replaces glutamine 405 with glutamic acid.
Molecular consequence: missense variant.
Genome position (GRCh38, 1-based): chr16:3,793,389, G>C on the plus strand (C>G on the coding strand, the complement: CREBBP is on the minus strand). VCF-style: chr16-3793389-G-C. GRCh37 (hg19) VCF-style: chr16-3843390-G-C.
Other names: c.1213C>G, p.Gln405Glu (NM_001079846.1); short protein forms Q405E.
Identifiers: ClinVar variation 973293 (VCV000973293.4), dbSNP rs2053544204, ClinGen allele CA394562085.